The following is an entry in ClinVar:

ClinVar aggregate classification (germline): Uncertain significance (1 of 4 stars; one submission).

Submission:

GeneDx
Classification: Uncertain significance. Last evaluated: 2019-07-09. Review status: criteria provided, single submitter. Criteria: GeneDx Variant Classification Process June 2021. Collection method: clinical testing. Allele origin: germline. Affected: yes.
Comment: The majority of missense variants in this gene are considered pathogenic (Stenson et al., 2014); Not observed in large population cohorts (Lek et al., 2016); Has not been previously published as pathogenic or benign to our knowledge; In silico analysis, which includes protein predictors and evolutionary conservation, supports that this variant does not alter protein structure/function

NM_006306.4(SMC1A):c.2698G>A (p.Gly900Ser)

Gene: SMC1A (structural maintenance of chromosomes 1A; minus strand). Cytogenetic location: Xp11.22.
Variant type: single nucleotide variant.
Coding change: c.2698G>A on transcript NM_006306.4 (MANE Select); coding-DNA position 2698, G replaced by A.
Protein change: p.Gly900Ser; replaces glycine 900 with serine.
Molecular consequence: missense variant.
Genome position (GRCh38, 1-based): chrX:53,396,482, C>T on the plus strand (G>A on the coding strand, the complement: SMC1A is on the minus strand). VCF-style: chrX-53396482-C-T. GRCh37 (hg19) VCF-style: chrX-53423402-C-T.
Other names: c.2632G>A, p.Gly878Ser (NM_001281463.1); short protein forms G878S, G900S.
Identifiers: ClinVar variation 1306667 (VCV001306667.2), dbSNP rs2146593579, ClinGen allele CA413248498.